The following is an entry in ClinVar:

ClinVar aggregate classification (germline): Uncertain significance (1 of 4 stars; one submission).

Conditions:
Pitt-Hopkins-like syndrome 2 (PTHSL2). Identifiers: Orphanet 221150, Orphanet 600663, MedGen C3280479, MONDO:0013690, OMIM 614325.

Submission:

Baylor Genetics
Classification: Uncertain significance for Pitt-Hopkins-like syndrome 2. Last evaluated: 2020-06-03. Review status: criteria provided, single submitter. Criteria: ACMG Guidelines, 2015. Collection method: clinical testing. Allele origin: unknown. Affected: yes.
Comment: This variant was determined to be of uncertain significance according to ACMG Guidelines, 2015 [PMID:25741868].

NM_001330078.2(NRXN1):c.1159-4C>G

Gene: NRXN1 (neurexin 1; minus strand). Cytogenetic location: 2p16.3.
Variant type: single nucleotide variant.
Coding change: c.1159-4C>G on transcript NM_001330078.2 (MANE Select); 4 bases into the intron before coding-DNA position 1159, C replaced by G.
Molecular consequence: intron variant.
Genome position (GRCh38, 1-based): chr2:50,620,187, G>C on the plus strand (C>G on the coding strand, the complement: NRXN1 is on the minus strand). VCF-style: chr2-50620187-G-C. GRCh37 (hg19) VCF-style: chr2-50847325-G-C.
Other names: c.1075-4C>G (NM_001330096.2, NM_001330087.2); c.1135-4C>G (NM_001330082.2, NM_001330077.2, NM_001330095.2); c.1159-4C>G (NM_001330085.2, NM_004801.6, NM_001330086.2); c.1120-4C>G (NM_001330083.2, NM_001330084.2); c.1105-4C>G (NM_001330088.2); c.1156-4C>G (NM_001330093.2); c.1147-4C>G (NM_001330094.2); c.1279-4C>G (NM_001135659.3).
Identifiers: ClinVar variation 1027714 (VCV001027714.1), dbSNP rs1573821641, ClinGen allele CA1249661620.